The following is an entry in ClinVar:

ClinVar aggregate classification (germline): Uncertain significance (1 of 4 stars; one submission).

Conditions:
Pheochromocytoma/paraganglioma syndrome 5. Also called: Paragangliomas 5; SDHA-Related Hereditary Paraganglioma-Pheochromocytoma Syndrome. Identifiers: Orphanet 29072, MedGen C3279992, MONDO:0013602, OMIM 614165.
Mitochondrial complex II deficiency, nuclear type 1. Also called: SUCCINATE CoQ REDUCTASE DEFICIENCY. Identifiers: Orphanet 3208, MedGen C5700310, MONDO:0100294, OMIM 252011.

Submission:

Labcorp Genetics (formerly Invitae), Labcorp
Classification: Uncertain significance for Pheochromocytoma/paraganglioma syndrome 5; Mitochondrial complex II deficiency, nuclear type 1. Last evaluated: 2022-03-05. Review status: criteria provided, single submitter. Criteria: Invitae Variant Classification Sherloc (09022015). Collection method: clinical testing. Allele origin: germline.
Comment: This sequence change replaces methionine, which is neutral and non-polar, with lysine, which is basic and polar, at codon 114 of the SDHA protein (p.Met114Lys). This variant is not present in population databases (gnomAD no frequency). This variant has not been reported in the literature in individuals affected with SDHA-related conditions. Advanced modeling of protein sequence and biophysical properties (such as structural, functional, and spatial information, amino acid conservation, physicochemical variation, residue mobility, and thermodynamic stability) performed at Invitae indicates that this missense variant is not expected to disrupt SDHA protein function. In summary, the available evidence is currently insufficient to determine the role of this variant in disease. Therefore, it has been classified as a Variant of Uncertain Significance.

NM_004168.4(SDHA):c.341T>A (p.Met114Lys)

Gene: SDHA (succinate dehydrogenase complex flavoprotein subunit A; plus strand). Cytogenetic location: 5p15.33.
Variant type: single nucleotide variant.
Coding change: c.341T>A on transcript NM_004168.4 (MANE Select); coding-DNA position 341, T replaced by A.
Protein change: p.Met114Lys; replaces methionine 114 with lysine.
Molecular consequence: missense variant. On other transcripts: intron variant (1).
Genome position (GRCh38, 1-based): chr5:225,447, T>A. VCF-style: chr5-225447-T-A. GRCh37 (hg19) VCF-style: chr5-225562-T-A.
Other names: c.341T>A, p.Met114Lys (NM_001330758.2); c.313-436T>A (NM_001294332.2); short protein forms M114K.
Identifiers: ClinVar variation 2107126 (VCV002107126.4), dbSNP rs199805178, ClinGen allele CA359009235.